The following is an entry in ClinVar:

ClinVar aggregate classification (germline): Uncertain significance (1 of 4 stars; one submission).

Conditions:
Cardiovascular phenotype. Identifiers: MedGen CN230736.

Allele frequency attached by ClinVar (database versions not stated): gnomAD exomes below 0.00001; TOPMed 0.00001.
gnomAD v4.1: 1 of 1,613,118 alleles (0.000062%); highest among the groups gnomAD compares: African/African-American, 0.0013%; no homozygotes.

Submission:

Ambry Genetics
Classification: Uncertain significance for Cardiovascular phenotype. Last evaluated: 2021-11-04. Review status: criteria provided, single submitter. Criteria: Ambry Variant Classification Scheme 2023. Collection method: clinical testing. Allele origin: germline.
Comment: The p.D3414V variant (also known as c.10241A>T), located in coding exon 41 of the AKAP9 gene, results from an A to T substitution at nucleotide position 10241. The aspartic acid at codon 3414 is replaced by valine, an amino acid with highly dissimilar properties. This amino acid position is conserved. In addition, this alteration is predicted to be tolerated by in silico analysis. Since supporting evidence is limited at this time, the clinical significance of this alteration remains unclear.

NM_005751.5(AKAP9):c.10241A>T (p.Asp3414Val)

Gene: AKAP9 (A-kinase anchoring protein 9; plus strand). Cytogenetic location: 7q21.2.
Variant type: single nucleotide variant.
Coding change: c.10241A>T on transcript NM_005751.5 (MANE Select); coding-DNA position 10241, A replaced by T.
Protein change: p.Asp3414Val; replaces aspartic acid 3414 with valine.
Molecular consequence: missense variant.
Genome position (GRCh38, 1-based): chr7:92,097,200, A>T. VCF-style: chr7-92097200-A-T. GRCh37 (hg19) VCF-style: chr7-91726514-A-T.
Other names: c.4886A>T, p.Asp1629Val (NM_001379277.1); c.10217A>T, p.Asp3406Val (NM_147185.3); short protein forms D1629V, D3414V, D3406V.
Identifiers: ClinVar variation 1768068 (VCV001768068.2), dbSNP rs1449431323, ClinGen allele CA368154497.
Genomic context (GRCh38, chr7:92,097,200, plus strand): 5'-AACAGGAGGCCAACACTGAGGGACAGAAAAAAATGCATGAGCTCCAGTCCAAAGTGGAAG[A>T]TCTTCAGCGCCAGCTGGAAGAGAAAAGACAACAAGTTTATAAGTTAGACCTTGAAGGACA-3'
Protein context (NP_005742.4, residues 3404-3424): KMHELQSKVE[Asp3414Val]LQRQLEEKRQ